The following is an entry in ClinVar:

ClinVar aggregate classification (germline): Conflicting classifications of pathogenicity. Review status: criteria provided, conflicting classifications (1 of 4 stars). 7 submissions from 7 submitters: Uncertain significance (1); Benign (1); Likely benign (4). 1 of the submissions does not count toward it. Last evaluated 2026-07-01.

Conditions:
LZTR1-related disorder. Also called: LZTR1-related disorders; LZTR1-related condition.
Noonan syndrome and Noonan-related syndrome. Identifiers: Orphanet 98733, MedGen C5681679, MONDO:0020297.
Hereditary cancer-predisposing syndrome. Also called: Neoplastic Syndromes, Hereditary; Tumor predisposition; Hereditary neoplastic syndrome; Hereditary Cancer Syndrome. Identifiers: Orphanet 140162, MedGen C0027672, MeSH D009386, MONDO:0015356.
Cardiovascular phenotype. Identifiers: MedGen CN230736.

Allele frequency attached by ClinVar (database versions not stated): ExAC 0.00004; ESP Exome Variant Server 0.00008; gnomAD exomes 0.00008; gnomAD 0.00009; TOPMed 0.00011.
gnomAD v4.1: 197 of 1,613,404 alleles (0.012%); highest among the groups gnomAD compares: Non-Finnish European, 0.016%; no homozygotes.

Submissions (7):

CeGaT Center for Human Genetics Tuebingen
Classification: Likely benign. Last evaluated: 2026-07-01. Review status: criteria provided, single submitter. Criteria: CeGaT Center For Human Genetics Tuebingen Variant Classification Criteria Version 2. Collection method: clinical testing. Allele origin: germline. Affected: yes. Observed: 4 variant alleles.
Comment: LZTR1: BP4, BP7

Labcorp Genetics (formerly Invitae), Labcorp
Classification: Likely benign. Last evaluated: 2026-01-29. Review status: criteria provided, single submitter. Criteria: Invitae Variant Classification Sherloc (09022015). Collection method: clinical testing. Allele origin: germline.

Laboratory of Genetics, Children's Clinical University Hospital Latvia
Classification: Benign. Last evaluated: 2025-02-16. Review status: criteria provided, single submitter. Criteria: ACMG Guidelines, 2015. Collection method: clinical testing. Allele origin: germline. Affected: yes.

Blueprint Genetics
Classification: Likely benign. Last evaluated: 2023-05-17. Review status: criteria provided, single submitter. Criteria: ACMG Guidelines, 2015. Collection method: clinical testing. Allele origin: germline.

Ambry Genetics
Classification: Likely benign for Cardiovascular phenotype; Hereditary cancer-predisposing syndrome. Last evaluated: 2020-10-02. Review status: criteria provided, single submitter. Criteria: Ambry Variant Classification Scheme 2023. Collection method: clinical testing. Allele origin: germline.

Genome Diagnostics Laboratory, The Hospital for Sick Children
Classification: Uncertain significance for Noonan syndrome and Noonan-related syndrome. Last evaluated: 2020-06-01. Review status: criteria provided, single submitter. Criteria: ACMG Guidelines, 2015. Collection method: clinical testing. Allele origin: germline.

PreventionGenetics, part of Exact Sciences
Classification: Likely benign for LZTR1-related condition. Last evaluated: 2019-08-09. Review status: no assertion criteria provided. Collection method: clinical testing. Allele origin: germline. Not counted in ClinVar's aggregate classification.
Comment: This variant is classified as likely benign based on ACMG/AMP sequence variant interpretation guidelines (Richards et al. 2015 PMID: 25741868, with internal and published modifications).

NM_006767.4(LZTR1):c.2130C>T (p.Ile710=)

Gene: LZTR1 (leucine zipper like post translational regulator 1; plus strand). Cytogenetic location: 22q11.21.
Variant type: single nucleotide variant.
Coding change: c.2130C>T on transcript NM_006767.4 (MANE Select); coding-DNA position 2130, C replaced by T.
Protein change: p.Ile710=; no amino-acid change (isoleucine 710 retained).
Molecular consequence: synonymous variant.
Genome position (GRCh38, 1-based): chr22:20,996,023, C>T. VCF-style: chr22-20996023-C-T. GRCh37 (hg19) VCF-style: chr22-21350312-C-T.
Identifiers: ClinVar variation 976556 (VCV000976556.39), dbSNP rs149449207, ClinGen allele CA10119253.